The following is an entry in ClinVar:

NM_000136.3(FANCC):c.1206A>G (p.Gly402=)

Genes: AOPEP (aminopeptidase O (putative); plus strand), FANCC (FA complementation group C; minus strand). Cytogenetic location: 9q22.32.
Variant type: single nucleotide variant.
Coding change: c.1206A>G on transcript NM_000136.3 (MANE Select); coding-DNA position 1206, A replaced by G.
Protein change: p.Gly402=; no amino-acid change (glycine 402 retained).
Molecular consequence: synonymous variant.
Genome position (GRCh38, 1-based): chr9:95,111,586, T>C on the plus strand (A>G on the coding strand, the complement: FANCC is on the minus strand). VCF-style: chr9-95111586-T-C. GRCh37 (hg19) VCF-style: chr9-97873868-T-C.
Other names: c.1206A>G, p.Gly402= (NM_001243743.2, NM_001243744.2).
Identifiers: ClinVar variation 3778338 (VCV003778338.8).

ClinVar aggregate classification (germline): Likely benign. Review status: criteria provided, multiple submitters, no conflicts (2 of 4 stars). 2 submissions from 2 submitters: Likely benign (2). Last evaluated 2025-07-25.

Conditions:
Hereditary cancer-predisposing syndrome. Also called: Neoplastic Syndromes, Hereditary; Tumor predisposition; Hereditary Cancer Syndrome; Hereditary neoplastic syndrome. Identifiers: Orphanet 140162, MedGen C0027672, MeSH D009386, MONDO:0015356.

Submissions (2):

Ambry Genetics
Classification: Likely benign for Hereditary cancer-predisposing syndrome. Last evaluated: 2025-07-25. Review status: criteria provided, single submitter. Criteria: Ambry Variant Classification Scheme 2023. Collection method: clinical testing. Allele origin: germline.

CeGaT Center for Human Genetics Tuebingen
Classification: Likely benign. Last evaluated: 2025-03-01. Review status: criteria provided, single submitter. Criteria: CeGaT Center For Human Genetics Tuebingen Variant Classification Criteria Version 2. Collection method: clinical testing. Allele origin: germline. Affected: yes. Observed: 1 variant allele.
Comment: FANCC: PM2:Supporting, BP4, BP7